The following is an entry in ClinVar:

ClinVar aggregate classification (germline): Likely pathogenic (1 of 4 stars; one submission).

Conditions:
Hereditary breast ovarian cancer syndrome. Also called: BRCA1- and BRCA2-Associated Hereditary Breast and Ovarian Cancer; Hereditary breast and ovarian cancer; Hereditary breast and ovarian cancer syndrome (HBOC); Hereditary breast and/or ovarian cancer syndrome; Hereditary breast and ovarian cancer syndrome; Breast and ovarian cancer. Identifiers: Orphanet 145, MedGen C0677776, MeSH D061325, MONDO:0003582. Disease mechanism: loss of function.

Submission:

Genetics and Personalized Medicine Clinic, Tartu University Hospital
Classification: Likely pathogenic for Hereditary breast ovarian cancer syndrome. Last evaluated: 2017-01-01. Review status: criteria provided, single submitter. Criteria: ACMG Guidelines, 2015. Collection method: clinical testing. Allele origin: germline. Affected: yes. Observed: 5 variant alleles.
Comment: This duplication causes a frameshift p.(Leu2803Serfs*9), predicted to result in premature truncation and nonsense-mediated decay. BRCA2 loss-of-function is a well-established mechanism for hereditary breast and ovarian cancer (PVS1). The variant is absent from population databases (PM2_Supporting) and has been observed in four individuals with breast cancer and one individual with ovarian cancer, supporting its clinical relevance.

NM_000059.4(BRCA2):c.8405dup (p.Leu2803fs)

Gene: BRCA2 (BRCA2 DNA repair associated; plus strand). Cytogenetic location: 13q13.1.
Variant type: Duplication.
Coding change: c.8405dup on transcript NM_000059.4 (MANE Select); coding-DNA position 8405, one base duplicated (C; older notation c.8405dupC).
Protein change: p.Leu2803fs; shifts the reading frame from leucine 2803.
Molecular consequence: frameshift variant. On other transcripts: non-coding transcript variant (1).
Genome position (GRCh38, 1-based): chr13:32,370,475, C duplicated; the last of 2 consecutive C bases (chr13:32,370,474-32,370,475); duplicating either gives the same sequence. VCF-style (leftmost placement, unchanged base first): chr13-32370473-T-TC. GRCh37 (hg19) VCF-style: chr13-32944610-T-TC.
Other names: c.8309dup, p.Leu2771fs (NM_001406719.1); c.8405dup, p.Leu2803fs (NM_001406720.1, NM_001432077.1); c.3473dup, p.Leu1159fs (NM_001406721.1); c.1988dup, p.Leu664fs (NM_001406722.1); short protein forms L1159fs, L2771fs, L2803fs, L664fs.
Identifiers: ClinVar variation 4082378 (VCV004082378.1).